The following is an entry in ClinVar:

ClinVar aggregate classification (germline): Likely pathogenic. Review status: criteria provided, multiple submitters, no conflicts (2 of 4 stars). 2 submissions from 2 submitters: Likely pathogenic (2). Last evaluated 2023-11-24.

Conditions:
Bardet-Biedl syndrome 2 (BBS2). Identifiers: Orphanet 110, MedGen C2936863, MONDO:0014432, OMIM 615981.
Bardet-Biedl syndrome (BBS). Identifiers: Orphanet 110, MedGen C0752166, MONDO:0015229.

Allele frequency attached by ClinVar (database versions not stated): gnomAD exomes below 0.00001.
gnomAD v4.1: 1 of 1,613,962 alleles (0.000062%); highest among the groups gnomAD compares: South Asian, 0.0011%; no homozygotes.

Submissions (2):

Labcorp Genetics (formerly Invitae), Labcorp
Classification: Likely pathogenic for Bardet-Biedl syndrome. Last evaluated: 2023-11-24. Review status: criteria provided, single submitter. Criteria: Invitae Variant Classification Sherloc (09022015). Collection method: clinical testing. Allele origin: germline.
Comment: This sequence change affects an acceptor splice site in intron 4 of the BBS2 gene. It is expected to disrupt RNA splicing. Variants that disrupt the donor or acceptor splice site typically lead to a loss of protein function (PMID: 16199547), and loss-of-function variants in BBS2 are known to be pathogenic (PMID: 11285252, 20177705, 24608809, 26518167). This variant is not present in population databases (gnomAD no frequency). This variant has not been reported in the literature in individuals affected with BBS2-related conditions. Algorithms developed to predict the effect of sequence changes on RNA splicing suggest that this variant may disrupt the consensus splice site. In summary, the currently available evidence indicates that the variant is pathogenic, but additional data are needed to prove that conclusively. Therefore, this variant has been classified as Likely Pathogenic.

Baylor Genetics
Classification: Likely pathogenic for Bardet-Biedl syndrome 2. Last evaluated: 2023-02-18. Review status: criteria provided, single submitter. Criteria: ACMG Guidelines, 2015. Collection method: clinical testing. Allele origin: unknown.

Literature cited by the submitters: PubMed 16199547 (cited by Labcorp Genetics (formerly Invitae), Labcorp); PubMed 11285252 (cited by Labcorp Genetics (formerly Invitae), Labcorp); PubMed 20177705 (cited by Labcorp Genetics (formerly Invitae), Labcorp); PubMed 24608809 (cited by Labcorp Genetics (formerly Invitae), Labcorp); PubMed 26518167 (cited by Labcorp Genetics (formerly Invitae), Labcorp).

NM_031885.5(BBS2):c.535-1G>A

Gene: BBS2 (Bardet-Biedl syndrome 2; minus strand). Cytogenetic location: 16q13.
Variant type: single nucleotide variant.
Coding change: c.535-1G>A on transcript NM_031885.5 (MANE Select); the canonical splice acceptor site of the intron before coding-DNA position 535, G replaced by A.
Molecular consequence: splice acceptor variant.
Genome position (GRCh38, 1-based): chr16:56,510,035, C>T on the plus strand (G>A on the coding strand, the complement: BBS2 is on the minus strand). VCF-style: chr16-56510035-C-T. GRCh37 (hg19) VCF-style: chr16-56543947-C-T.
Other names: c.535-1G>A (NM_001377456.1).
Identifiers: ClinVar variation 2680020 (VCV002680020.4), dbSNP rs2144177127, ClinGen allele CA395984134.